The following is an entry in ClinVar:

ClinVar aggregate classification (germline): Likely pathogenic. Review status: criteria provided, multiple submitters, no conflicts (2 of 4 stars). 3 submissions from 3 submitters: Likely pathogenic (3). Last evaluated 2026-01-16.

Conditions:
Mucopolysaccharidosis, MPS-III-D (MPS3D). Also called: N-ACETYLGLUCOSAMINE-6-SULFATASE DEFICIENCY; SANFILIPPO SYNDROME D; MPS III D; Mucopoly-saccharidosis type 3D; N-acetylglucosamine-6-sulfate sulfatase deficiency; MPS 3D. Identifiers: Orphanet 581, Orphanet 79272, MedGen C0086650, MONDO:0009658, OMIM 252940.

Allele frequency attached by ClinVar (database versions not stated): TOPMed 0.00001; ESP Exome Variant Server 0.00008; gnomAD exomes below 0.00001; ExAC 0.00001.
gnomAD v4.1: 3 of 1,454,016 alleles (0.00021%); highest among the groups gnomAD compares: Non-Finnish European, 0.00029%; no homozygotes.

Submissions (3):

GeneDx
Classification: Likely pathogenic. Last evaluated: 2026-01-16. Review status: criteria provided, single submitter. Criteria: GeneDx Variant Classification Process June 2021. Collection method: clinical testing. Allele origin: germline.
Comment: Canonical splice site variant predicted to result in an in-frame loss of the adjacent exon in a gene for which loss of function is a known mechanism of disease; Not observed at significant frequency in large population cohorts (gnomAD); Has not been previously published as pathogenic or benign to our knowledge; This variant is associated with the following publications: (PMID: 20232353)

Fulgent Genetics
Classification: Likely pathogenic for Mucopolysaccharidosis, MPS-III-D. Last evaluated: 2024-04-18. Review status: criteria provided, single submitter. Criteria: ACMG Guidelines, 2015. Collection method: clinical testing. Allele origin: germline.

Labcorp Genetics (formerly Invitae), Labcorp
Classification: Likely pathogenic for Mucopolysaccharidosis, MPS-III-D. Last evaluated: 2024-02-07. Review status: criteria provided, single submitter. Criteria: Invitae Variant Classification Sherloc (09022015). Collection method: clinical testing. Allele origin: germline.
Comment: This sequence change affects a donor splice site in intron 2 of the GNS gene. It is expected to disrupt RNA splicing. Variants that disrupt the donor or acceptor splice site typically lead to a loss of protein function (PMID: 16199547), and loss-of-function variants in GNS are known to be pathogenic (PMID: 20232353). This variant is present in population databases (rs368414819, gnomAD 0.007%). This variant has not been reported in the literature in individuals affected with GNS-related conditions. ClinVar contains an entry for this variant (Variation ID: 1465334). Algorithms developed to predict the effect of sequence changes on RNA splicing suggest that this variant may disrupt the consensus splice site. In summary, the currently available evidence indicates that the variant is pathogenic, but additional data are needed to prove that conclusively. Therefore, this variant has been classified as Likely Pathogenic.

Literature cited by the submitters: PubMed 16199547 (cited by Labcorp Genetics (formerly Invitae), Labcorp); PubMed 20232353 (cited by Labcorp Genetics (formerly Invitae), Labcorp).

NM_002076.4(GNS):c.252+1G>T

Gene: GNS (glucosamine (N-acetyl)-6-sulfatase; minus strand). Cytogenetic location: 12q14.3.
Variant type: single nucleotide variant.
Coding change: c.252+1G>T on transcript NM_002076.4 (MANE Select); the canonical splice donor site of the intron after coding-DNA position 252, G replaced by T.
Molecular consequence: splice donor variant.
Genome position (GRCh38, 1-based): chr12:64,752,697, C>A on the plus strand (G>T on the coding strand, the complement: GNS is on the minus strand). VCF-style: chr12-64752697-C-A. GRCh37 (hg19) VCF-style: chr12-65146477-C-A.
Identifiers: ClinVar variation 1465334 (VCV001465334.11), dbSNP rs368414819, ClinGen allele CA6670000.